The following is an entry in ClinVar:

ClinVar aggregate classification (germline): Uncertain significance (1 of 4 stars; one submission).

Conditions:
Peroxisome biogenesis disorder 3A (Zellweger). Also called: PEROXISOMAL BIOGENESIS DISORDER 3A (ZELLWEGER); Peroxisome biogenesis disorder 3A. Identifiers: Orphanet 912, MedGen C3553929, MONDO:0013927, OMIM 614859.

Submission:

Labcorp Genetics (formerly Invitae), Labcorp
Classification: Uncertain significance for Peroxisome biogenesis disorder 3A (Zellweger). Last evaluated: 2024-04-09. Review status: criteria provided, single submitter. Criteria: Invitae Variant Classification Sherloc (09022015). Collection method: clinical testing. Allele origin: germline.
Comment: This sequence change replaces valine, which is neutral and non-polar, with isoleucine, which is neutral and non-polar, at codon 176 of the PEX12 protein (p.Val176Ile). This variant is present in population databases (no rsID available, gnomAD 0.006%). This variant has not been reported in the literature in individuals affected with PEX12-related conditions. Advanced modeling of protein sequence and biophysical properties (such as structural, functional, and spatial information, amino acid conservation, physicochemical variation, residue mobility, and thermodynamic stability) performed at Invitae indicates that this missense variant is not expected to disrupt PEX12 protein function with a negative predictive value of 80%. In summary, the available evidence is currently insufficient to determine the role of this variant in disease. Therefore, it has been classified as a Variant of Uncertain Significance.

NM_000286.3(PEX12):c.526G>A (p.Val176Ile)

Gene: PEX12 (peroxisomal biogenesis factor 12; minus strand). Cytogenetic location: 17q12.
Variant type: single nucleotide variant.
Coding change: c.526G>A on transcript NM_000286.3 (MANE Select); coding-DNA position 526, G replaced by A.
Protein change: p.Val176Ile; replaces valine 176 with isoleucine.
Molecular consequence: missense variant.
Genome position (GRCh38, 1-based): chr17:35,577,192, C>T on the plus strand (G>A on the coding strand, the complement: PEX12 is on the minus strand). VCF-style: chr17-35577192-C-T. GRCh37 (hg19) VCF-style: chr17-33904211-C-T.
Other names: short protein forms V176I.
Identifiers: ClinVar variation 3703132 (VCV003703132.2).
Genomic context (GRCh38, chr17:35,577,192, plus strand): 5'-CCAGCCTCAGCAGTGGTGAGTGATGCTGAGCTTTTCCTAGGATGTATCGAAGTTGTTGTA[C>T]AAGAAACCATCCTTCCCAGGCCATGTTCACAAATGGGTAGGCTGCCAGGAAAGCTCTGTA-3'
Protein context (NP_000277.1, residues 166-186): VNMAWEGWFL[Val176Ile]QQLRYILGKA